The following is an entry in ClinVar:

ClinVar aggregate classification (germline): Uncertain significance. Review status: criteria provided, multiple submitters, no conflicts (2 of 4 stars). 2 submissions from 2 submitters: Uncertain significance (2). Last evaluated 2025-09-22.

gnomAD v4.1: 18 of 1,525,796 alleles (0.0012%); highest among the groups gnomAD compares: African/African-American, 0.0055%; no homozygotes.

Submissions (2):

Ambry Genetics
Classification: Uncertain significance. Last evaluated: 2025-09-22. Review status: criteria provided, single submitter. Criteria: Ambry Variant Classification Scheme 2023. Collection method: clinical testing. Allele origin: germline.

Labcorp Genetics (formerly Invitae), Labcorp
Classification: Uncertain significance. Last evaluated: 2024-09-10. Review status: criteria provided, single submitter. Criteria: Invitae Variant Classification Sherloc (09022015). Collection method: clinical testing. Allele origin: germline.
Comment: This sequence change replaces proline, which is neutral and non-polar, with leucine, which is neutral and non-polar, at codon 1890 of the NYNRIN protein (p.Pro1890Leu). The frequency data for this variant in the population databases is considered unreliable, as metrics indicate poor data quality at this position in the gnomAD database. This variant has not been reported in the literature in individuals affected with NYNRIN-related conditions. Experimental studies and prediction algorithms are not available or were not evaluated, and the functional significance of this variant is currently unknown. In summary, the available evidence is currently insufficient to determine the role of this variant in disease. Therefore, it has been classified as a Variant of Uncertain Significance.

NM_025081.3(NYNRIN):c.5669C>T (p.Pro1890Leu)

Gene: NYNRIN (NYN domain and retroviral integrase containing; plus strand). Cytogenetic location: 14q12.
Variant type: single nucleotide variant.
Coding change: c.5669C>T on transcript NM_025081.3 (MANE Select); coding-DNA position 5669, C replaced by T.
Protein change: p.Pro1890Leu; replaces proline 1890 with leucine.
Molecular consequence: missense variant.
Genome position (GRCh38, 1-based): chr14:24,417,418, C>T. VCF-style: chr14-24417418-C-T. GRCh37 (hg19) VCF-style: chr14-24886624-C-T.
Other names: c.5669C>T (NM_025081.2); short protein forms P1890L.
Identifiers: ClinVar variation 3631275 (VCV003631275.3).